The following is an entry in ClinVar:

NM_001038.6(SCNN1A):c.1216C>A (p.Leu406Ile)

Gene: SCNN1A (sodium channel epithelial 1 subunit alpha; minus strand). Cytogenetic location: 12p13.31.
Variant type: single nucleotide variant.
Coding change: c.1216C>A on transcript NM_001038.6 (MANE Select); coding-DNA position 1216, C replaced by A.
Protein change: p.Leu406Ile; replaces leucine 406 with isoleucine.
Molecular consequence: missense variant.
Genome position (GRCh38, 1-based): chr12:6,354,776, G>T on the plus strand (C>A on the coding strand, the complement: SCNN1A is on the minus strand). VCF-style: chr12-6354776-G-T. GRCh37 (hg19) VCF-style: chr12-6463942-G-T.
Other names: c.1285C>A, p.Leu429Ile (NM_001159575.2); c.1393C>A, p.Leu465Ile (NM_001159576.2); short protein forms L406I, L465I, L429I.
Identifiers: ClinVar variation 229238 (VCV000229238.16), dbSNP rs149484264, ClinGen allele CA6405952.

ClinVar aggregate classification (germline): Conflicting classifications of pathogenicity. Review status: criteria provided, conflicting classifications (1 of 4 stars). 7 submissions from 6 submitters: Uncertain significance (5); Benign (2). Last evaluated 2025-11-25.

Conditions:
Pseudohypoaldosteronism, type IB1, autosomal recessive. Also called: Pseudohypoaldosteronism, Type I, Autosomal Recessive; PHA I, AUTOSOMAL RECESSIVE; Pseudohypoaldosteronism, Type I, Recessive; Autosomal recessive pseudohypoaldosteronism type 1. Identifiers: Orphanet 171876, Orphanet 756, MedGen C5774176, MONDO:0009917, OMIM 264350.
Liddle syndrome 3. Identifiers: MedGen C4748292, MONDO:0029132, OMIM 618126.
Bronchiectasis with or without elevated sweat chloride 2 (BESC2). Identifiers: Orphanet 60033, MedGen C2751666, MONDO:0013087, OMIM 613021.
Inborn genetic diseases. Identifiers: MedGen C0950123, MeSH D030342.

Allele frequency attached by ClinVar (database versions not stated): gnomAD 0.00029; TOPMed 0.00039; ESP Exome Variant Server 0.00046.
gnomAD v4.1: 462 of 1,613,932 alleles (0.029%); highest among the groups gnomAD compares: Non-Finnish European, 0.014%; no homozygotes.

Submissions (7):

Labcorp Genetics (formerly Invitae), Labcorp
Classification: Benign. Last evaluated: 2025-11-25. Review status: criteria provided, single submitter. Criteria: Invitae Variant Classification Sherloc (09022015). Collection method: clinical testing. Allele origin: germline.

Fulgent Genetics
Classification: Uncertain significance for Pseudohypoaldosteronism, type IB1, autosomal recessive; Bronchiectasis with or without elevated sweat chloride 2; Liddle syndrome 3. Last evaluated: 2024-06-18. Review status: criteria provided, single submitter. Criteria: ACMG Guidelines, 2015. Collection method: clinical testing. Allele origin: germline.

Ambry Genetics
Classification: Uncertain significance for Inborn genetic diseases. Last evaluated: 2022-09-27. Review status: criteria provided, single submitter. Criteria: Ambry Variant Classification Scheme 2023. Collection method: clinical testing. Allele origin: germline.

Department of Pathology and Laboratory Medicine, Sinai Health System
Classification: Uncertain significance for Pseudohypoaldosteronism, type IB1, autosomal recessive; Bronchiectasis with or without elevated sweat chloride 2; Liddle syndrome 3. Last evaluated: 2020-08-28. Review status: criteria provided, single submitter. Criteria: ACMG Guidelines, 2015. Collection method: research. Allele origin: germline.

Illumina Laboratory Services, Illumina
Classification: Benign for Bronchiectasis with or without elevated sweat chloride 2. Last evaluated: 2018-01-13. Review status: criteria provided, single submitter. Criteria: ICSL Variant Classification Criteria 13 December 2019. Collection method: clinical testing. Allele origin: germline.
Comment: This variant was observed in the ICSL laboratory as part of a predisposition screen in an ostensibly healthy population. It had not been previously curated by ICSL or reported in the Human Gene Mutation Database (HGMD: prior to June 1st, 2018), and was therefore a candidate for classification through an automated scoring system. Utilizing variant allele frequency, disease prevalence and penetrance estimates, and inheritance mode, an automated score was calculated to assess if this variant is too frequent to cause the disease. Based on the score and internal cut-off values, a variant classified as benign is not then subjected to further curation. The score for this variant resulted in a classification of benign for this disease.

Illumina Laboratory Services, Illumina
Classification: Uncertain significance for Pseudohypoaldosteronism, type IB1, autosomal recessive. Last evaluated: 2018-01-13. Review status: criteria provided, single submitter. Criteria: ICSL Variant Classification Criteria 13 December 2019. Collection method: clinical testing. Allele origin: germline.

Laboratory for Molecular Medicine, Mass General Brigham Personalized Medicine
Classification: Uncertain significance. Last evaluated: 2015-09-02. Review status: criteria provided, single submitter. Criteria: LMM Criteria. Collection method: clinical testing. Allele origin: germline. Observed: 1 variant allele.
Comment: Variant classified as Uncertain Significance - Favor Benign. The p.Leu465Ile var iant in SCNN1A has not been previously reported in individuals with pulmonary di sease, but has been identified in 33/66732 European chromosomes by the Exome Agg regation Consortium (ExAC; dbSNP rs149484264). C omputational prediction tools and conservation analysis suggest that the p.Leu46 5Ile variant may not impact the protein, though this information is not predicti ve enough to rule out pathogenicity. In summary, while the clinical significance of the p.Leu465Ile variant is uncertain, these data suggest that it is more lik ely to be benign.